The following is an entry in ClinVar:

NM_001127198.5(TMC6):c.326G>A (p.Arg109Gln)

Gene: TMC6 (transmembrane channel like 6; minus strand). Cytogenetic location: 17q25.3.
Variant type: single nucleotide variant.
Coding change: c.326G>A on transcript NM_001127198.5 (MANE Select); coding-DNA position 326, G replaced by A.
Protein change: p.Arg109Gln; replaces arginine 109 with glutamine.
Molecular consequence: missense variant.
Genome position (GRCh38, 1-based): chr17:78,125,830, C>T on the plus strand (G>A on the coding strand, the complement: TMC6 is on the minus strand). VCF-style: chr17-78125830-C-T. GRCh37 (hg19) VCF-style: chr17-76121911-C-T.
Other names: c.326G>A, p.Arg109Gln (NM_001321185.1, NM_001374593.1, NM_001374594.1 and 4 more transcripts); short protein forms R109Q.
Identifiers: ClinVar variation 941142 (VCV000941142.8), dbSNP rs755826726, ClinGen allele CA8796163.

ClinVar aggregate classification (germline): Uncertain significance (1 of 4 stars; one submission).

Conditions:
Epidermodysplasia verruciformis. Identifiers: Orphanet 302, MedGen C0014522, MONDO:0009176.

Allele frequency attached by ClinVar (database versions not stated): TOPMed 0.00002; ExAC 0.00005; gnomAD exomes below 0.00001 and 0.00001.
gnomAD v4.1: 6 of 1,554,042 alleles (0.00039%); highest among the groups gnomAD compares: East Asian, 0.0024%; no homozygotes.

Submission:

Labcorp Genetics (formerly Invitae), Labcorp
Classification: Uncertain significance for Epidermodysplasia verruciformis. Last evaluated: 2019-11-09. Review status: criteria provided, single submitter. Criteria: Invitae Variant Classification Sherloc (09022015). Collection method: clinical testing. Allele origin: germline.
Comment: This variant is present in population databases (rs755826726, ExAC 0.01%). In summary, the available evidence is currently insufficient to determine the role of this variant in disease. Therefore, it has been classified as a Variant of Uncertain Significance. Algorithms developed to predict the effect of missense changes on protein structure and function are either unavailable or do not agree on the potential impact of this missense change (SIFT: "Tolerated"; PolyPhen-2: "Probably Damaging"; Align-GVGD: "Class C0"). This variant has not been reported in the literature in individuals with TMC6-related conditions. This sequence change replaces arginine with glutamine at codon 109 of the TMC6 protein (p.Arg109Gln). The arginine residue is weakly conserved and there is a small physicochemical difference between arginine and glutamine.